The following is an entry in ClinVar:

NM_206933.4(USH2A):c.13811+1G>A

Gene: USH2A (usherin; minus strand). Cytogenetic location: 1q41.
Variant type: single nucleotide variant.
Coding change: c.13811+1G>A on transcript NM_206933.4 (MANE Select); the canonical splice donor site of the intron after coding-DNA position 13811, G replaced by A.
Molecular consequence: splice donor variant.
Genome position (GRCh38, 1-based): chr1:215,674,099, C>T on the plus strand (G>A on the coding strand, the complement: USH2A is on the minus strand). VCF-style: chr1-215674099-C-T. GRCh37 (hg19) VCF-style: chr1-215847441-C-T.
Other names: c.13811+1G>A (NM_206933.3).
Identifiers: ClinVar variation 556918 (VCV000556918.21), dbSNP rs1177257719, ClinGen allele CA16609664.
Genomic context (GRCh38, chr1:215,674,099, plus strand): 5'-CTCAGGCAATAGAAAGGTCAGCAGTGGCTTACTCTCAGAAAACCGAGACATGGCTACCTA[C>T]CTGTGAAATGGCTTCAGCTGGTTTACTATATATGACTGCATACCAAAAGAATTATGAGTT-3'

ClinVar aggregate classification (germline): Pathogenic/Likely pathogenic. Review status: criteria provided, multiple submitters, no conflicts (2 of 4 stars). 10 submissions from 9 submitters: Pathogenic (5); Likely pathogenic (4). 1 of the submissions does not count toward it. Last evaluated 2025-12-03.

Conditions:
Usher syndrome. Also called: Usher Syndromes; Usher's syndrome. Identifiers: Orphanet 886, MedGen CN469326, MeSH D052245, MONDO:0019501. Disease mechanism: loss of function.
USH2A-related disorder. Also called: USH2A-related disorders; USH2A-related condition. Identifiers: MedGen CN239332.
Usher syndrome type 2A. Also called: RETINAL DISEASE IN USHER SYNDROME TYPE IIA, MODIFIER OF; USHER SYNDROME, TYPE IIA. Identifiers: Orphanet 231178, Orphanet 886, MedGen C1848634, MONDO:0010169, OMIM 276901.
Retinitis pigmentosa 39 (RP39). Identifiers: Orphanet 791, MedGen C3151138, MONDO:0013436, OMIM 613809.

Allele frequency attached by ClinVar (database versions not stated): TOPMed below 0.00001; gnomAD 0.00001.
gnomAD v4.1: 1 of 1,613,916 alleles (0.000062%); highest among the groups gnomAD compares: Non-Finnish European, 0.000085%; no homozygotes.

Submissions (10):

Natera, Inc.
Classification: Pathogenic for Usher syndrome type 2A. Last evaluated: 2025-12-03. Review status: criteria provided, single submitter. Criteria: Natera Variant Classification Schema (03/2026). Collection method: clinical testing. Allele origin: germline.
Comment: The c.13811+1G>A variant in USH2A is a canonical splice donor site variant predicted to affect pre-mRNA splicing, which may result in an abnormal transcript and altered protein product. This variant is expected to result in nonsense mediated decay, truncation, or a dysfunctional protein product. This variant is rare in the general population with a frequency below the threshold expected for the associated phenotype(s). Another variant at this same site results in an alteration predicted to cause a similar molecular effect has been observed in individual(s) with the associated phenotype. Given the available evidence, this variant is classified as Pathogenic.

Labcorp Genetics (formerly Invitae), Labcorp
Classification: Pathogenic. Last evaluated: 2025-07-03. Review status: criteria provided, single submitter. Criteria: Invitae Variant Classification Sherloc (09022015). Collection method: clinical testing. Allele origin: germline.
Comment: This sequence change affects a donor splice site in intron 63 of the USH2A gene. It is expected to disrupt RNA splicing. Variants that disrupt the donor or acceptor splice site typically lead to a loss of protein function (PMID: 16199547), and loss-of-function variants in USH2A are known to be pathogenic (PMID: 10729113, 10909849, 20507924, 25649381). This variant is not present in population databases (gnomAD no frequency). Disruption of this splice site has been observed in individuals with retinitis pigmentosa or Usher syndrome (PMID: 24498627, 24938718). ClinVar contains an entry for this variant (Variation ID: 556918). Algorithms developed to predict the effect of sequence changes on RNA splicing suggest that this variant may disrupt the consensus splice site. For these reasons, this variant has been classified as Pathogenic.

Revvity Omics, Revvity
Classification: Pathogenic. Last evaluated: 2025-03-07. Review status: criteria provided, single submitter. Criteria: ACMG Guidelines, 2015. Collection method: clinical testing. Allele origin: germline.

Women's Health and Genetics/Laboratory Corporation of America, LabCorp
Classification: Likely pathogenic for Usher syndrome. Last evaluated: 2024-12-10. Review status: criteria provided, single submitter. Criteria: LabCorp Variant Classification Summary - May 2015. Collection method: clinical testing. Allele origin: germline.
Comment: Variant summary: USH2A c.13811+1G>A is located in a canonical splice-site and is predicted to affect mRNA splicing resulting in a significantly altered protein due to either exon skipping, shortening, or inclusion of intronic material. Variants that disrupt the consensus splice site are a relatively common cause of aberrant splicing and loss of USH2A function. Several computational tools predict a significant impact on normal splicing: Four predict the variant abolishes a canonical 5' splicing donor site. However, these predictions have yet to be confirmed by functional studies. The variant was absent in 250992 control chromosomes. c.13811+1G>A has been reported in the literature in at-least one individualsaffected with Retinitis pigmentosa (example: Xu_2014). To our knowledge, no experimental evidence demonstrating an impact on protein function has been reported. The following publication has been ascertained in the context of this evaluation (PMID: 24938718). ClinVar contains an entry for this variant (Variation ID: 556918). Based on the evidence outlined above, the variant was classified as likely pathogenic.

Baylor Genetics
Classification: Pathogenic for Retinitis pigmentosa 39. Last evaluated: 2023-08-26. Review status: criteria provided, single submitter. Criteria: ACMG Guidelines, 2015. Collection method: clinical testing. Allele origin: unknown.

Genome-Nilou Lab
Classification: Likely pathogenic for Retinitis pigmentosa 39. Last evaluated: 2023-04-11. Review status: criteria provided, single submitter. Criteria: ACMG Guidelines, 2015. Collection method: clinical testing. Allele origin: germline. Affected: no.

Genome-Nilou Lab
Classification: Likely pathogenic for Usher syndrome type 2A. Last evaluated: 2023-04-11. Review status: criteria provided, single submitter. Criteria: ACMG Guidelines, 2015. Collection method: clinical testing. Allele origin: germline. Affected: no.

Blueprint Genetics
Classification: Likely pathogenic for USH2A-related disorders. Last evaluated: 2022-06-24. Review status: criteria provided, single submitter. Criteria: ACMG Guidelines, 2015. Collection method: clinical testing. Allele origin: germline. Affected: yes. Observed: 3 variant alleles.

GeneDx
Classification: Pathogenic. Last evaluated: 2020-12-30. Review status: criteria provided, single submitter. Criteria: GeneDx Variant Classification Process June 2021. Collection method: clinical testing. Allele origin: germline. Affected: yes.
Comment: Canonical splice site variant in a gene for which loss-of-function is a known mechanism of disease; Not observed in large population cohorts (Lek et al., 2016); This variant is associated with the following publications: (PMID: 24938718)

Counsyl
Classification: Likely pathogenic for Usher syndrome type 2A; Retinitis pigmentosa 39. Last evaluated: 2018-02-27. Review status: no assertion criteria provided. Collection method: clinical testing. Allele origin: unknown. Not counted in ClinVar's aggregate classification.

Literature cited by the submitters: PubMed 16199547 (cited by Labcorp Genetics (formerly Invitae), Labcorp); PubMed 10729113 (cited by Labcorp Genetics (formerly Invitae), Labcorp); PubMed 10909849 (cited by Labcorp Genetics (formerly Invitae), Labcorp); PubMed 20507924 (cited by Labcorp Genetics (formerly Invitae), Labcorp); PubMed 25649381 (cited by Labcorp Genetics (formerly Invitae), Labcorp); PubMed 24498627 (cited by Labcorp Genetics (formerly Invitae), Labcorp); PubMed 24938718 (cited by 3 submitters).